The following is an entry in ClinVar:

NM_005026.5(PIK3CD):c.1353G>C (p.Glu451Asp)

Genes: PIK3CD (phosphatidylinositol-4,5-bisphosphate 3-kinase catalytic subunit delta; plus strand), LOC126805612 (MED14-independent group 3 enhancer GRCh37_chr1:9778914-9780113; plus strand). Cytogenetic location: 1p36.22.
Variant type: single nucleotide variant.
Coding change: c.1353G>C on transcript NM_005026.5 (MANE Select); coding-DNA position 1353, G replaced by C.
Protein change: p.Glu451Asp; replaces glutamic acid 451 with aspartic acid.
Molecular consequence: missense variant.
Genome position (GRCh38, 1-based): chr1:9,720,125, G>C. VCF-style: chr1-9720125-G-C. GRCh37 (hg19) VCF-style: chr1-9780183-G-C.
Other names: c.1353G>C (NM_005026.3); c.1353G>C, p.Glu451Asp (NM_001350234.2); c.1266G>C, p.Glu422Asp (NM_001350235.1); short protein forms E422D, E451D.
Identifiers: ClinVar variation 1435006 (VCV001435006.8), dbSNP rs147088845, ClinGen allele CA577178.

ClinVar aggregate classification (germline): Uncertain significance. Review status: criteria provided, multiple submitters, no conflicts (2 of 4 stars). 3 submissions from 3 submitters: Uncertain significance (3). Last evaluated 2025-11-12.

Conditions:
Inborn genetic diseases. Identifiers: MedGen C0950123, MeSH D030342.
Immunodeficiency 14 (IMD14A). Also called: ACTIVATED PI3K-DELTA SYNDROME 1; Activated PI3K Delta Syndrome Type 1 (APDS1); p110-DELTA-ACTIVATING MUTATION CAUSING SENESCENT T CELLS, LYMPHADENOPATHY, AND IMMUNODEFICIENCY; IMMUNODEFICIENCY 14A WITH LYMPHOPROLIFERATION, AUTOSOMAL DOMINANT. Identifiers: Orphanet 397596, Orphanet 693661, MedGen C5907821, MONDO:0014222, OMIM 615513.
PIK3CD-related disorder. Also called: PIK3CD-related condition.

Allele frequency attached by ClinVar (database versions not stated): ESP Exome Variant Server 0.00008.
gnomAD v4.1: 25 of 1,613,134 alleles (0.0015%); highest among the groups gnomAD compares: Admixed American, 0.028%; no homozygotes.

Submissions (3):

Labcorp Genetics (formerly Invitae), Labcorp
Classification: Uncertain significance for Activated PI3K-delta syndrome. Last evaluated: 2025-11-12. Review status: criteria provided, single submitter. Criteria: Invitae Variant Classification Sherloc (09022015). Collection method: clinical testing. Allele origin: germline.
Comment: This sequence change replaces glutamic acid, which is acidic and polar, with aspartic acid, which is acidic and polar, at codon 451 of the PIK3CD protein (p.Glu451Asp). This variant is present in population databases (rs147088845, gnomAD 0.02%). This variant has not been reported in the literature in individuals affected with PIK3CD-related conditions. ClinVar contains an entry for this variant (Variation ID: 1435006). An algorithm developed to predict the effect of missense changes on protein structure and function (PolyPhen-2) suggests that this variant is likely to be tolerated. In summary, the available evidence is currently insufficient to determine the role of this variant in disease. Therefore, it has been classified as a Variant of Uncertain Significance.

PreventionGenetics, part of Exact Sciences
Classification: Uncertain significance for PIK3CD-related condition. Last evaluated: 2025-02-11. Review status: criteria provided, single submitter. Criteria: ACMG Guidelines, 2015. Collection method: clinical testing. Allele origin: germline.
Comment: The PIK3CD c.1353G>C variant is predicted to result in the amino acid substitution p.Glu451Asp. To our knowledge, this variant has not been reported in the literature. This variant is reported in 0.023% of alleles in individuals of Latino descent in gnomAD, which may be too common to be causative. Although we suspect that this variant may be benign, at this time, the clinical significance of this variant is uncertain due to the absence of conclusive functional and genetic evidence.

Ambry Genetics
Classification: Uncertain significance for Inborn genetic diseases. Last evaluated: 2024-07-30. Review status: criteria provided, single submitter. Criteria: Ambry Variant Classification Scheme 2023. Collection method: clinical testing. Allele origin: germline.